The following is an entry in ClinVar:

NM_000410.4(HFE):c.*991C>T

Gene: HFE (homeostatic iron regulator; plus strand). Cytogenetic location: 6p22.2.
Variant type: single nucleotide variant.
Coding change: c.*991C>T on transcript NM_000410.4 (MANE Select); 991 bases downstream of the stop codon, C replaced by T.
Molecular consequence: 3 prime UTR variant.
Genome position (GRCh38, 1-based): chr6:26,095,217, C>T. VCF-style: chr6-26095217-C-T. GRCh37 (hg19) VCF-style: chr6-26095445-C-T.
Other names: c.*806C>T (NM_001300749.3, NM_001384164.1, NM_001406752.1); c.*991C>T (NM_001406751.1, NM_139003.3, NM_139004.3 and 6 more transcripts).
Identifiers: ClinVar variation 356209 (VCV000356209.37), dbSNP rs148307737, ClinGen allele CA10623561.

ClinVar aggregate classification (germline): Conflicting classifications of pathogenicity. Review status: criteria provided, conflicting classifications (1 of 4 stars). 3 submissions from 3 submitters: Uncertain significance (2); Benign (1). Last evaluated 2023-07-01.

Conditions:
Hemochromatosis type 1 (HFE1). Also called: HFE-Related Hemochromatosis; HFE-Associated Hereditary Hemochromatosis. Identifiers: Orphanet 465508, MedGen C3469186, MONDO:0021001, OMIM 235200. Disease mechanism: loss of function.

Allele frequency attached by ClinVar (database versions not stated): 1000 Genomes Project 0.00459; 1000 Genomes Project 30x 0.00468; TOPMed 0.00750; gnomAD 0.00957 and 0.00982; gnomAD exomes 0.03448.
gnomAD v4.1: 1,450 of 152,366 alleles (0.95%); highest among the groups gnomAD compares: Non-Finnish European, 1.3%; 17 homozygotes.

Submissions (3):

CeGaT Center for Human Genetics Tuebingen
Classification: Benign. Last evaluated: 2023-07-01. Review status: criteria provided, single submitter. Criteria: CeGaT Center For Human Genetics Tuebingen Variant Classification Criteria Version 2. Collection method: clinical testing. Allele origin: germline. Affected: yes. Observed: 9 variant alleles.
Comment: HFE: BS1, BS2

Illumina Laboratory Services, Illumina
Classification: Uncertain significance for Hemochromatosis type 1. Last evaluated: 2018-01-13. Review status: criteria provided, single submitter. Criteria: ICSL Variant Classification Criteria 13 December 2019. Collection method: clinical testing. Allele origin: germline.

Breakthrough Genomics
Classification: Uncertain significance. Review status: criteria provided, single submitter. Criteria: ACMG Guidelines, 2015. Collection method: not provided. Allele origin: germline. Inheritance: Autosomal recessive inheritance. Affected: yes.